The following is an entry in ClinVar:

ClinVar aggregate classification (germline): Likely benign. Review status: criteria provided, single submitter (1 of 4 stars). 2 submissions from 2 submitters: Likely benign (1). 1 of the submissions does not count toward it. Last evaluated 2022-06-01.

Allele frequency attached by ClinVar (database versions not stated): ExAC 0.00004; gnomAD 0.00005; gnomAD exomes 0.00005.
gnomAD v4.1: 84 of 1,614,100 alleles (0.0052%); highest among the groups gnomAD compares: South Asian, 0.058%; 1 homozygote.

Submissions (2):

CeGaT Center for Human Genetics Tuebingen
Classification: Likely benign. Last evaluated: 2022-06-01. Review status: criteria provided, single submitter. Criteria: CeGaT Center For Human Genetics Tuebingen Variant Classification Criteria Version 2. Collection method: clinical testing. Allele origin: germline. Affected: yes. Observed: 1 variant allele.
Comment: SHANK2: BP4

Genetics and Genomic Medicine Centre, NeuroGen Healthcare, NeuroGen Healthcare
Classification: Uncertain significance. Last evaluated: 2021-04-08. Review status: no assertion criteria provided. Collection method: clinical testing. Allele origin: unknown. Affected: yes. Not counted in ClinVar's aggregate classification.

NM_012309.5(SHANK2):c.5273C>T (p.Ala1758Val)

Gene: SHANK2 (SH3 and multiple ankyrin repeat domains 2; minus strand). Cytogenetic location: 11q13.3.
Variant type: single nucleotide variant.
Coding change: c.5273C>T on transcript NM_012309.5 (MANE Select); coding-DNA position 5273, C replaced by T.
Protein change: p.Ala1758Val; replaces alanine 1758 with valine.
Molecular consequence: missense variant. On other transcripts: non-coding transcript variant (1).
Genome position (GRCh38, 1-based): chr11:70,473,146, G>A on the plus strand (C>T on the coding strand, the complement: SHANK2 is on the minus strand). VCF-style: chr11-70473146-G-A. GRCh37 (hg19) VCF-style: chr11-70319251-G-A.
Other names: c.4136C>T, p.Ala1379Val (NM_001379226.1); c.3509C>T, p.Ala1170Val (NM_133266.5); short protein forms A1170V, A1379V, A1758V.
Identifiers: ClinVar variation 2642069 (VCV002642069.24), dbSNP rs782764781, ClinGen allele CA6160731.
Genomic context (GRCh38, chr11:70,473,146, plus strand): 5'-AAAGGCTTATTTGAGATTGGCTGTTGCAGTATCGAGGGGGATGGCGACCTACTGCGTCCC[G>A]CTGGGTTCAAGCCAAATAGATCCCCAGAAGGGGGCTGGCTTGGAAGGCTAAAGACATCTG-3'
Protein context (NP_036441.2, residues 1748-1768): PSGDLFGLNP[Ala1758Val]GRSRSPSPSI